The following is an entry in ClinVar:

NM_130837.3(OPA1):c.379C>A (p.Pro127Thr)

Gene: OPA1 (OPA1 mitochondrial dynamin like GTPase; plus strand). Cytogenetic location: 3q29.
Variant type: single nucleotide variant.
Coding change: c.379C>A on transcript NM_130837.3 (MANE Select); coding-DNA position 379, C replaced by A.
Protein change: p.Pro127Thr; replaces proline 127 with threonine.
Molecular consequence: missense variant.
Genome position (GRCh38, 1-based): chr3:193,615,701, C>A. VCF-style: chr3-193615701-C-A. GRCh37 (hg19) VCF-style: chr3-193333490-C-A.
Other names: c.7C>A, p.Pro3Thr (NM_001354663.2, NM_001354664.2); c.379C>A, p.Pro127Thr (NM_015560.3, NM_130831.3, NM_130832.3 and 4 more transcripts); short protein forms P127T, P3T.
Identifiers: ClinVar variation 1942447 (VCV001942447.7), dbSNP rs547958808, ClinGen allele CA355787098.

ClinVar aggregate classification (germline): Uncertain significance. Review status: criteria provided, multiple submitters, no conflicts (2 of 4 stars). 3 submissions from 3 submitters: Uncertain significance (3). Last evaluated 2024-11-13.

Allele frequency attached by ClinVar (database versions not stated): TOPMed below 0.00001.
gnomAD v4.1: 6 of 1,609,994 alleles (0.00037%); highest among the groups gnomAD compares: Non-Finnish European, 0.00042%; no homozygotes.

Submissions (3):

Labcorp Genetics (formerly Invitae), Labcorp
Classification: Uncertain significance. Last evaluated: 2024-11-13. Review status: criteria provided, single submitter. Criteria: Invitae Variant Classification Sherloc (09022015). Collection method: clinical testing. Allele origin: germline.
Comment: This sequence change replaces proline, which is neutral and non-polar, with threonine, which is neutral and polar, at codon 127 of the OPA1 protein (p.Pro127Thr). This variant is not present in population databases (gnomAD no frequency). This variant has not been reported in the literature in individuals affected with OPA1-related conditions. ClinVar contains an entry for this variant (Variation ID: 1942447). Invitae Evidence Modeling of protein sequence and biophysical properties (such as structural, functional, and spatial information, amino acid conservation, physicochemical variation, residue mobility, and thermodynamic stability) indicates that this missense variant is not expected to disrupt OPA1 protein function with a negative predictive value of 80%. In summary, the available evidence is currently insufficient to determine the role of this variant in disease. Therefore, it has been classified as a Variant of Uncertain Significance.

GeneDx
Classification: Uncertain significance. Last evaluated: 2024-03-25. Review status: criteria provided, single submitter. Criteria: GeneDx Variant Classification Process June 2021. Collection method: clinical testing. Allele origin: germline. Affected: yes.
Comment: Not observed at significant frequency in large population cohorts (gnomAD); In silico analysis supports that this missense variant has a deleterious effect on protein structure/function; Has not been previously published as pathogenic or benign to our knowledge

Women's Health and Genetics/Laboratory Corporation of America, LabCorp
Classification: Uncertain significance. Last evaluated: 2023-03-29. Review status: criteria provided, single submitter. Criteria: LabCorp Variant Classification Summary - May 2015. Collection method: clinical testing. Allele origin: germline.
Comment: Variant summary: OPA1 c.379C>A (p.Pro127Thr) results in a non-conservative amino acid change in the encoded protein sequence. Four of five in-silico tools predict a damaging effect of the variant on protein function. The variant was absent in 251394 control chromosomes (gnomAD). The available data on variant occurrences in the general population are insufficient to allow any conclusion about variant significance. To our knowledge, no occurrence of c.379C>A in individuals affected with OPA1-Related Disorders and no experimental evidence demonstrating its impact on protein function have been reported. One ClinVar submitter has assessed the variant since 2014: the variant was classified as uncertain significance. Based on the evidence outlined above, the variant was classified as uncertain significance.